The following is an entry in ClinVar:

NM_001145358.2(SIN3A):c.1270G>T (p.Gly424Cys)

Gene: SIN3A (SIN3 transcription regulator family member A; minus strand). Cytogenetic location: 15q24.2.
Variant type: single nucleotide variant.
Coding change: c.1270G>T on transcript NM_001145358.2 (MANE Select); coding-DNA position 1270, G replaced by T.
Protein change: p.Gly424Cys; replaces glycine 424 with cysteine.
Molecular consequence: missense variant.
Genome position (GRCh38, 1-based): chr15:75,409,883, C>A on the plus strand (G>T on the coding strand, the complement: SIN3A is on the minus strand). VCF-style: chr15-75409883-C-A. GRCh37 (hg19) VCF-style: chr15-75702224-C-A.
Other names: c.1270G>T, p.Gly424Cys (NM_001145357.2, NM_015477.3); short protein forms G424C.
Identifiers: ClinVar variation 3765898 (VCV003765898.1).
Genomic context (GRCh38, chr15:75,409,883, plus strand): 5'-TGCCCATTCTCACCTTAACTGGAGGGGTGGTTCCTGTAGGATGTCTGCGGATCTGGCAGC[C>A]ATTCTGGCTGGGCCTCTGCGGCTTGTTGTTCAGTTGGGGCTTCTTGACAGTGCCTCCATG-3'
Protein context (NP_001138830.1, residues 414-434): NNKPQRPSQN[Gly424Cys]CQIRRHPTGT

ClinVar aggregate classification (germline): Uncertain significance (1 of 4 stars; one submission).

Submission:

GeneDx
Classification: Uncertain significance. Last evaluated: 2024-09-02. Review status: criteria provided, single submitter. Criteria: GeneDx Variant Classification Process June 2021. Collection method: clinical testing. Allele origin: germline. Affected: yes.
Comment: Not observed at significant frequency in large population cohorts (gnomAD); In silico analysis indicates that this missense variant does not alter protein structure/function; Has not been previously published as pathogenic or benign to our knowledge